The following is an entry in ClinVar:

NM_198428.3(BBS9):c.531C>A (p.Gly177=)

Gene: BBS9 (Bardet-Biedl syndrome 9; plus strand). Cytogenetic location: 7p14.3.
Variant type: single nucleotide variant.
Coding change: c.531C>A on transcript NM_198428.3 (MANE Select); coding-DNA position 531, C replaced by A.
Protein change: p.Gly177=; no amino-acid change (glycine 177 retained).
Molecular consequence: synonymous variant. On other transcripts: non-coding transcript variant (3).
Genome position (GRCh38, 1-based): chr7:33,257,324, C>A. VCF-style: chr7-33257324-C-A. GRCh37 (hg19) VCF-style: chr7-33296936-C-A.
Other names: c.531C>A, p.Gly177= (NM_001033604.2, NM_001033605.2, NM_001348036.1 and 5 more transcripts); c.165C>A, p.Gly55= (NM_001348037.3, NM_001348044.3, NM_001348045.3 and 1 more transcripts); c.258C>A, p.Gly86= (NM_001348038.3, NM_001348039.3); c.396C>A, p.Gly132= (NM_001348042.3).
Identifiers: ClinVar variation 699176 (VCV000699176.14), dbSNP rs113518488, ClinGen allele CA4214031.

ClinVar aggregate classification (germline): Benign/Likely benign. Review status: criteria provided, multiple submitters, no conflicts (2 of 4 stars). 4 submissions from 4 submitters: Benign (1); Likely benign (3). Last evaluated 2026-06-12.

Conditions:
BBS9-related disorder. Also called: BBS9-related condition.
Bardet-Biedl syndrome 9 (BBS9). Identifiers: Orphanet 110, MedGen C1859567, MONDO:0014437, OMIM 615986.
Bardet-Biedl syndrome (BBS). Identifiers: Orphanet 110, MedGen C0752166, MONDO:0015229.

Allele frequency attached by ClinVar (database versions not stated): ExAC 0.00025; TOPMed 0.00076; ESP Exome Variant Server 0.00085; 1000 Genomes Project 30x 0.00094; 1000 Genomes Project 0.00100.
gnomAD v4.1: 222 of 1,613,832 alleles (0.014%); highest among the groups gnomAD compares: African/African-American, 0.27%; no homozygotes.

Submissions (4):

PreventionGenetics, part of Exact Sciences
Classification: Likely benign for BBS9-related condition. Last evaluated: 2026-06-12. Review status: criteria provided, single submitter. Criteria: ACMG Guidelines, 2015. Collection method: clinical testing. Allele origin: germline.
Comment: This variant is classified as likely benign based on ACMG/AMP sequence variant interpretation guidelines (Richards et al. 2015 PMID: 25741868, with internal and published modifications).

Labcorp Genetics (formerly Invitae), Labcorp
Classification: Benign for Bardet-Biedl syndrome. Last evaluated: 2026-01-19. Review status: criteria provided, single submitter. Criteria: Invitae Variant Classification Sherloc (09022015). Collection method: clinical testing. Allele origin: germline.

Blueprint Genetics
Classification: Likely benign. Last evaluated: 2024-09-02. Review status: criteria provided, single submitter. Criteria: ACMG Guidelines, 2015. Collection method: clinical testing. Allele origin: germline.

Fulgent Genetics
Classification: Likely benign for Bardet-Biedl syndrome 9. Last evaluated: 2021-09-28. Review status: criteria provided, single submitter. Criteria: ACMG Guidelines, 2015. Collection method: clinical testing. Allele origin: unknown.